The following is an entry in ClinVar:

NM_014875.3(KIF14):c.2648G>A (p.Arg883His)

Gene: KIF14 (kinesin family member 14; minus strand). Cytogenetic location: 1q32.1.
Variant type: single nucleotide variant.
Coding change: c.2648G>A on transcript NM_014875.3 (MANE Select); coding-DNA position 2648, G replaced by A.
Protein change: p.Arg883His; replaces arginine 883 with histidine.
Molecular consequence: missense variant.
Genome position (GRCh38, 1-based): chr1:200,593,671, C>T on the plus strand (G>A on the coding strand, the complement: KIF14 is on the minus strand). VCF-style: chr1-200593671-C-T. GRCh37 (hg19) VCF-style: chr1-200562799-C-T.
Other names: c.1175G>A, p.Arg392His (NM_001305792.1); short protein forms R392H, R883H.
Identifiers: ClinVar variation 4847147 (VCV004847147.1).

ClinVar aggregate classification (germline): Uncertain significance (1 of 4 stars; one submission).

Submission:

Women's Health and Genetics/Laboratory Corporation of America, LabCorp
Classification: Uncertain significance. Last evaluated: 2026-03-17. Review status: criteria provided, single submitter. Criteria: LabCorp Variant Classification Summary - May 2015. Collection method: clinical testing. Allele origin: germline.
Comment: Variant summary: KIF14 c.2648G>A (p.Arg883His) results in a non-conservative amino acid change in the encoded protein sequence. Algorithms developed to predict the effect of missense changes on protein structure and function are either unavailable or do not agree on the potential impact of this missense change. The variant allele was found at a frequency of 6.4e-05 in 251008 control chromosomes. This frequency is not significantly higher than estimated for disease-causing variants in KIF14, allowing no conclusion about variant significance. To our knowledge, no occurrence of c.2648G>A in individuals affected with KIF14-related conditions and no experimental evidence demonstrating its impact on protein function have been reported. No submitters have cited clinical-significance assessments for this variant to ClinVar. Based on the evidence outlined above, the variant was classified as uncertain significance.